The following is an entry in ClinVar:

ClinVar aggregate classification (germline): Uncertain significance. Review status: criteria provided, multiple submitters, no conflicts (2 of 4 stars). 4 submissions from 4 submitters: Uncertain significance (4). Last evaluated 2025-08-19.

Conditions:
Inborn genetic diseases. Identifiers: MedGen C0950123, MeSH D030342.
PDE6B-related disorder. Also called: PDE6B-related disease; PDE6B-related condition; PDE6B-related disorders.

Allele frequency attached by ClinVar (database versions not stated): gnomAD exomes 0.00001; gnomAD 0.00002; TOPMed 0.00003; ExAC 0.00006.
gnomAD v4.1: 17 of 1,613,018 alleles (0.0011%); highest among the groups gnomAD compares: East Asian, 0.038%; no homozygotes.

Submissions (4):

PreventionGenetics, part of Exact Sciences
Classification: Uncertain significance for PDE6B-related condition. Last evaluated: 2025-08-19. Review status: criteria provided, single submitter. Criteria: ACMG Guidelines, 2015. Collection method: clinical testing. Allele origin: germline.
Comment: The PDE6B c.2534C>A variant is predicted to result in the amino acid substitution p.Ala845Glu. To our knowledge, this variant has not been reported in the literature. This variant is reported in 0.085% of alleles in individuals of East Asian descent in gnomAD. Although we suspect that this variant may be benign, at this time, the clinical significance of this variant is uncertain due to the absence of conclusive functional and genetic evidence.

Labcorp Genetics (formerly Invitae), Labcorp
Classification: Uncertain significance. Last evaluated: 2025-01-23. Review status: criteria provided, single submitter. Criteria: Invitae Variant Classification Sherloc (09022015). Collection method: clinical testing. Allele origin: germline.
Comment: This sequence change replaces alanine, which is neutral and non-polar, with glutamic acid, which is acidic and polar, at codon 845 of the PDE6B protein (p.Ala845Glu). This variant is present in population databases (rs777239497, gnomAD 0.08%). This variant has not been reported in the literature in individuals affected with PDE6B-related conditions. ClinVar contains an entry for this variant (Variation ID: 1949741). Invitae Evidence Modeling of protein sequence and biophysical properties (such as structural, functional, and spatial information, amino acid conservation, physicochemical variation, residue mobility, and thermodynamic stability) has been performed for this missense variant. However, the output from this modeling did not meet the statistical confidence thresholds required to predict the impact of this variant on PDE6B protein function. In summary, the available evidence is currently insufficient to determine the role of this variant in disease. Therefore, it has been classified as a Variant of Uncertain Significance.

Ambry Genetics
Classification: Uncertain significance for Inborn genetic diseases. Last evaluated: 2024-08-10. Review status: criteria provided, single submitter. Criteria: Ambry Variant Classification Scheme 2023. Collection method: clinical testing. Allele origin: germline.

Blueprint Genetics
Classification: Uncertain significance. Last evaluated: 2021-06-21. Review status: criteria provided, single submitter. Criteria: ACMG Guidelines, 2015. Collection method: clinical testing. Allele origin: germline.

NM_000283.4(PDE6B):c.2534C>A (p.Ala845Glu)

Gene: PDE6B (phosphodiesterase 6B; plus strand). Cytogenetic location: 4p16.3.
Variant type: single nucleotide variant.
Coding change: c.2534C>A on transcript NM_000283.4 (MANE Select); coding-DNA position 2534, C replaced by A.
Protein change: p.Ala845Glu; replaces alanine 845 with glutamic acid.
Molecular consequence: missense variant.
Genome position (GRCh38, 1-based): chr4:670,076, C>A. VCF-style: chr4-670076-C-A. GRCh37 (hg19) VCF-style: chr4-663865-C-A.
Other names: c.2534C>A (NM_000283.3); c.2531C>A, p.Ala844Glu (NM_001145291.2); c.1697C>A, p.Ala566Glu (NM_001145292.2, NM_001379246.1, NM_001379247.1); c.1632C>A, p.Ser544Arg (NM_001350154.3); c.1314C>A, p.Ser438Arg (NM_001350155.3); short protein forms A844E, A845E, S438R, A566E, S544R.
Identifiers: ClinVar variation 1949741 (VCV001949741.8), dbSNP rs777239497, ClinGen allele CA2795110.
Genomic context (GRCh38, chr4:670,076, plus strand): 5'-CCACTCACCATCTTCTGTCTTCTCTTGCAGTAGGCACAGAAATTTGCAATGGCGGCCCAG[C>A]ACCCAAGTCTTCAACCTGCTGTATCCTGTGAGCACTGGTCCCATGGGGACCCTATGGCTC-3'
Protein context (NP_000274.3, residues 835-854): VGTEICNGGP[Ala845Glu]PKSSTCCIL